The following is an entry in ClinVar:

ClinVar aggregate classification (germline): Uncertain significance (1 of 4 stars; one submission).

Conditions:
Inborn genetic diseases. Identifiers: MedGen C0950123, MeSH D030342.

Allele frequency attached by ClinVar (database versions not stated): gnomAD exomes below 0.00001; gnomAD 0.00001.
gnomAD v4.1: 2 of 1,613,676 alleles (0.00012%); highest among the groups gnomAD compares: African/African-American, 0.0013%; no homozygotes.

Submission:

Ambry Genetics
Classification: Uncertain significance for Inborn genetic diseases. Last evaluated: 2023-03-03. Review status: criteria provided, single submitter. Criteria: Ambry Variant Classification Scheme 2023. Collection method: clinical testing. Allele origin: germline.
Comment: The p.Y116C variant (also known as c.347A>G), located in coding exon 4 of the BUB1B gene, results from an A to G substitution at nucleotide position 347. The tyrosine at codon 116 is replaced by cysteine, an amino acid with highly dissimilar properties. This amino acid position is conserved. In addition, the in silico prediction for this alteration is inconclusive. Since supporting evidence is limited at this time, the clinical significance of this alteration remains unclear.

NM_001211.6(BUB1B):c.347A>G (p.Tyr116Cys)

Gene: BUB1B (BUB1 mitotic checkpoint serine/threonine kinase B; plus strand). Cytogenetic location: 15q15.1.
Variant type: single nucleotide variant.
Coding change: c.347A>G on transcript NM_001211.6 (MANE Select); coding-DNA position 347, A replaced by G.
Protein change: p.Tyr116Cys; replaces tyrosine 116 with cysteine.
Molecular consequence: missense variant.
Genome position (GRCh38, 1-based): chr15:40,170,644, A>G. VCF-style: chr15-40170644-A-G. GRCh37 (hg19) VCF-style: chr15-40462845-A-G.
Other names: short protein forms Y116C.
Identifiers: ClinVar variation 2497645 (VCV002497645.2), dbSNP rs1451286639, ClinGen allele CA391679302.